The following is an entry in ClinVar:

ClinVar aggregate classification (germline): Uncertain significance. Review status: criteria provided, multiple submitters, no conflicts (2 of 4 stars). 2 submissions from 2 submitters: Uncertain significance (2). Last evaluated 2024-04-19.

Conditions:
Fraser syndrome 2 (FRASRS2). Identifiers: MedGen C4540036, MONDO:0054738, OMIM 617666.
Isolated cryptophthalmia. Also called: ANKYLOBLEPHARON, SIMPLE; Cryptophthalmos, unilateral or bilateral, isolated. Identifiers: Orphanet 91396, MedGen C1852453, MONDO:0007410, OMIM 123570.

Allele frequency attached by ClinVar (database versions not stated): ExAC 0.00001; gnomAD exomes 0.00001 and 0.00002; TOPMed 0.00001; gnomAD 0.00004.
gnomAD v4.1: 15 of 1,614,066 alleles (0.00093%); highest among the groups gnomAD compares: East Asian, 0.029%; no homozygotes.

Submissions (2):

Fulgent Genetics
Classification: Uncertain significance for Isolated cryptophthalmia; Fraser syndrome 2. Last evaluated: 2024-04-19. Review status: criteria provided, single submitter. Criteria: ACMG Guidelines, 2015. Collection method: clinical testing. Allele origin: germline.

GeneDx
Classification: Uncertain significance. Last evaluated: 2019-09-05. Review status: criteria provided, single submitter. Criteria: GeneDx Variant Classification Process June 2021. Collection method: clinical testing. Allele origin: germline. Affected: yes.
Comment: In silico analysis, which includes protein predictors and evolutionary conservation, supports a deleterious effect; Has not been previously published as pathogenic or benign to our knowledge

NM_207361.6(FREM2):c.1921A>G (p.Thr641Ala)

Gene: FREM2 (FRAS1 related extracellular matrix 2; plus strand). Cytogenetic location: 13q13.3.
Variant type: single nucleotide variant.
Coding change: c.1921A>G on transcript NM_207361.6 (MANE Select); coding-DNA position 1921, A replaced by G.
Protein change: p.Thr641Ala; replaces threonine 641 with alanine.
Molecular consequence: missense variant.
Genome position (GRCh38, 1-based): chr13:38,689,265, A>G. VCF-style: chr13-38689265-A-G. GRCh37 (hg19) VCF-style: chr13-39263402-A-G.
Other names: short protein forms T641A.
Identifiers: ClinVar variation 1310624 (VCV001310624.3), dbSNP rs116802472, ClinGen allele CA6954506.